The following is an entry in ClinVar:

ClinVar aggregate classification (germline): Uncertain significance (1 of 4 stars; one submission).

Submission:

Mayo Clinic Laboratories, Mayo Clinic
Classification: Uncertain significance. Last evaluated: 2023-04-21. Review status: criteria provided, single submitter. Criteria: ACMG Guidelines, 2015. Collection method: clinical testing. Allele origin: germline. Observed: 1 variant allele.
Comment: PM2_moderate

NM_001130823.3(DNMT1):c.3377G>A (p.Gly1126Glu)

Gene: DNMT1 (DNA methyltransferase 1; minus strand). Cytogenetic location: 19p13.2.
Variant type: single nucleotide variant.
Coding change: c.3377G>A on transcript NM_001130823.3 (MANE Select); coding-DNA position 3377, G replaced by A.
Protein change: p.Gly1126Glu; replaces glycine 1126 with glutamic acid.
Molecular consequence: missense variant.
Genome position (GRCh38, 1-based): chr19:10,141,122, C>T on the plus strand (G>A on the coding strand, the complement: DNMT1 is on the minus strand). VCF-style: chr19-10141122-C-T. GRCh37 (hg19) VCF-style: chr19-10251798-C-T.
Other names: p.Gly1126Glu; c.3329G>A, p.Gly1110Glu (NM_001318730.2, NM_001379.4); c.3014G>A, p.Gly1005Glu (NM_001318731.2); short protein forms G1005E, G1110E, G1126E.
Identifiers: ClinVar variation 3380573 (VCV003380573.1).
Genomic context (GRCh38, chr19:10,141,122, plus strand): 5'-TTACAGAAGAATAACTTGAAAAGAAACTCATACAATGACGTACCTTTTCCCTTGCCCTTC[C>T]CTTTGTTTCCAGGGCTACGGGCATGGTTGGGAGGATCTTCAAAGCTTTTGCTCTTTGCAT-3'
Protein context (NP_001124295.1, residues 1116-1136): PNHARSPGNK[Gly1126Glu]KGKGKGKGKP